The following is an entry in ClinVar:

ClinVar aggregate classification (germline): Uncertain significance (1 of 4 stars; one submission).

Submission:

ARUP Laboratories, Molecular Genetics and Genomics, ARUP Laboratories
Classification: Uncertain significance. Last evaluated: 2025-03-13. Review status: criteria provided, single submitter. Criteria: ARUP Molecular Germline Variant Investigation Process 2024. Collection method: clinical testing. Allele origin: germline.
Comment: The TTC37 c.1136T>C; p.Ile379Thr variant (rs750512651), to our knowledge, is not reported in the medical literature or gene specific databases. This variant is also absent from the Genome Aggregation Database (v2.1.1), indicating it is not a common polymorphism. Computational analyses are uncertain whether this variant is neutral or deleterious (REVEL: 0.196). Due to limited information, the clinical significance of this variant is uncertain at this time.

NM_014639.4(SKIC3):c.1136T>C (p.Ile379Thr)

Gene: SKIC3 (SKI3 subunit of superkiller complex; minus strand). Cytogenetic location: 5q15.
Variant type: single nucleotide variant.
Coding change: c.1136T>C on transcript NM_014639.4 (MANE Select); coding-DNA position 1136, T replaced by C.
Protein change: p.Ile379Thr; replaces isoleucine 379 with threonine.
Molecular consequence: missense variant.
Genome position (GRCh38, 1-based): chr5:95,525,672, A>G on the plus strand (T>C on the coding strand, the complement: SKIC3 is on the minus strand). VCF-style: chr5-95525672-A-G. GRCh37 (hg19) VCF-style: chr5-94861376-A-G.
Other names: short protein forms I379T.
Identifiers: ClinVar variation 4685684 (VCV004685684.1).